The following is an entry in ClinVar:

ClinVar aggregate classification (germline): Conflicting classifications of pathogenicity. Review status: criteria provided, conflicting classifications (1 of 4 stars). 2 submissions from 2 submitters: Uncertain significance (1); Likely benign (1). Last evaluated 2025-12-08.

Conditions:
Hereditary cancer-predisposing syndrome. Also called: Hereditary Cancer Syndrome; Tumor predisposition; Neoplastic Syndromes, Hereditary; Hereditary neoplastic syndrome. Identifiers: Orphanet 140162, MedGen C0027672, MeSH D009386, MONDO:0015356.

Allele frequency attached by ClinVar (database versions not stated): ExAC 0.00001; gnomAD 0.00001; gnomAD exomes 0.00001.
gnomAD v4.1: 16 of 1,389,606 alleles (0.0012%); highest among the groups gnomAD compares: Non-Finnish European, 0.0014%; no homozygotes.

Submissions (2):

Labcorp Genetics (formerly Invitae), Labcorp
Classification: Likely benign. Last evaluated: 2025-12-08. Review status: criteria provided, single submitter. Criteria: Invitae Variant Classification Sherloc (09022015). Collection method: clinical testing. Allele origin: germline.

Sema4
Classification: Uncertain significance for Hereditary cancer-predisposing syndrome. Last evaluated: 2021-10-27. Review status: criteria provided, single submitter. Criteria: Sema4 Curation Guidelines. Collection method: curation. Allele origin: germline.
Comment: The MSH3 c.2254-13G>T variant has not been reported in the literature to our knowledge. It was observed in 1/24678 chromosomes of the Finnish subpopulation in the large and broad cohorts of the Genome Aggregation Database (PMID: 32461654). The variant has not been reported in ClinVar. In silico tools suggest that the variant does not impact splicing, though these predictions have not been confirmed by functional studies. The evidence is insufficient to meet ACMG/AMP criteria for classifying the variant as benign or pathogenic. Thus, the clinical significance of this variant is currently uncertain.

NM_002439.5(MSH3):c.2254-13G>T

Gene: MSH3 (mutS homolog 3; plus strand). Cytogenetic location: 5q14.1.
Variant type: single nucleotide variant.
Coding change: c.2254-13G>T on transcript NM_002439.5 (MANE Select); 13 bases into the intron before coding-DNA position 2254, G replaced by T.
Molecular consequence: intron variant.
Genome position (GRCh38, 1-based): chr5:80,775,681, G>T. VCF-style: chr5-80775681-G-T. GRCh37 (hg19) VCF-style: chr5-80071500-G-T.
Identifiers: ClinVar variation 1576975 (VCV001576975.9), dbSNP rs749681815, ClinGen allele CA3328183.